The following is an entry in ClinVar:

ClinVar aggregate classification (germline): Uncertain significance (1 of 4 stars; one submission).

Submission:

Ambry Genetics
Classification: Uncertain significance. Last evaluated: 2025-08-03. Review status: criteria provided, single submitter. Criteria: Ambry Variant Classification Scheme 2023. Collection method: clinical testing. Allele origin: germline.
Comment: The p.M642V variant (also known as c.1924A>G), located in coding exon 13 of the RINT1 gene, results from an A to G substitution at nucleotide position 1924. The methionine at codon 642 is replaced by valine, an amino acid with highly similar properties. This amino acid position is conserved. In addition, this alteration is predicted to be tolerated by in silico analysis. Based on the available evidence, the clinical significance of this variant remains unclear.

NM_021930.6(RINT1):c.1924A>G (p.Met642Val)

Genes: EFCAB10 (EF-hand calcium binding domain 10; minus strand), RINT1 (RAD50 interactor 1; plus strand). Cytogenetic location: 7q22.3.
Variant type: single nucleotide variant.
Coding change: c.1924A>G on transcript NM_021930.6 (MANE Select); coding-DNA position 1924, A replaced by G.
Protein change: p.Met642Val; replaces methionine 642 with valine.
Molecular consequence: missense variant. On other transcripts: 3 prime UTR variant (3), non-coding transcript variant (1).
Genome position (GRCh38, 1-based): chr7:105,565,314, A>G. VCF-style: chr7-105565314-A-G. GRCh37 (hg19) VCF-style: chr7-105205761-A-G.
Other names: c.*133T>C (NM_001355526.2); c.*235T>C (NM_001355530.2); c.*88T>C (NM_001355531.2); c.1690A>G, p.Met564Val (NM_001346599.2); c.901A>G, p.Met301Val (NM_001346600.2, NM_001346603.2); c.1000A>G, p.Met334Val (NM_001346601.2); short protein forms M334V, M301V, M564V, M642V.
Identifiers: ClinVar variation 4154586 (VCV004154586.1).